The following is an entry in ClinVar:

NM_001134363.3(RBM20):c.1289A>C (p.His430Pro)

Gene: RBM20 (RNA binding motif protein 20; plus strand). Cytogenetic location: 10q25.2.
Variant type: single nucleotide variant.
Coding change: c.1289A>C on transcript NM_001134363.3 (MANE Select); coding-DNA position 1289, A replaced by C.
Protein change: p.His430Pro; replaces histidine 430 with proline.
Molecular consequence: missense variant.
Genome position (GRCh38, 1-based): chr10:110,783,379, A>C. VCF-style: chr10-110783379-A-C. GRCh37 (hg19) VCF-style: chr10-112543137-A-C.
Other names: short protein forms H430P.
Identifiers: ClinVar variation 2560622 (VCV002560622.6), dbSNP rs2135048055, ClinGen allele CA378387012.
Genomic context (GRCh38, chr10:110,783,379, plus strand): 5'-CATGGACTCAGTTCTACTTTGGTCACTTTTCTTTCCTTCTGACCTAGGACTGGGAGCTGC[A>C]TGTGAAAGGGAAGCTGCACGCTCAGAAATGCCTGGTCTTCTCTGAAAAGTAAGTGCTGTT-3'
Protein context (NP_001127835.2, residues 420-440): KVFDLKDWEL[His430Pro]VKGKLHAQKC

ClinVar aggregate classification (germline): Uncertain significance. Review status: criteria provided, multiple submitters, no conflicts (2 of 4 stars). 3 submissions from 3 submitters: Uncertain significance (3). Last evaluated 2025-05-15.

Conditions:
Dilated cardiomyopathy 1DD (CMD1DD). Identifiers: Orphanet 154, MedGen C2750995, MONDO:0013168, OMIM 613172.
Cardiovascular phenotype. Identifiers: MedGen CN230736.

Allele frequency attached by ClinVar (database versions not stated): gnomAD exomes below 0.00001.
gnomAD v4.1: 6 of 1,551,448 alleles (0.00039%); highest among the groups gnomAD compares: Non-Finnish European, 0.00052%; no homozygotes.

Submissions (3):

GeneDx
Classification: Uncertain significance. Last evaluated: 2025-05-15. Review status: criteria provided, single submitter. Criteria: GeneDx Variant Classification Process June 2021. Collection method: clinical testing. Allele origin: germline. Affected: yes.
Comment: Not observed at significant frequency in large population cohorts (gnomAD); In silico analysis supports that this missense variant has a deleterious effect on protein structure/function; Has not been previously published as pathogenic or benign to our knowledge

Labcorp Genetics (formerly Invitae), Labcorp
Classification: Uncertain significance for Dilated cardiomyopathy 1DD. Last evaluated: 2024-02-22. Review status: criteria provided, single submitter. Criteria: Invitae Variant Classification Sherloc (09022015). Collection method: clinical testing. Allele origin: germline.
Comment: This sequence change replaces histidine, which is basic and polar, with proline, which is neutral and non-polar, at codon 430 of the RBM20 protein (p.His430Pro). This variant is not present in population databases (gnomAD no frequency). This variant has not been reported in the literature in individuals affected with RBM20-related conditions. ClinVar contains an entry for this variant (Variation ID: 2560622). Advanced modeling of protein sequence and biophysical properties (such as structural, functional, and spatial information, amino acid conservation, physicochemical variation, residue mobility, and thermodynamic stability) has been performed at Invitae for this missense variant, however the output from this modeling did not meet the statistical confidence thresholds required to predict the impact of this variant on RBM20 protein function. In summary, the available evidence is currently insufficient to determine the role of this variant in disease. Therefore, it has been classified as a Variant of Uncertain Significance.

Ambry Genetics
Classification: Uncertain significance for Cardiovascular phenotype. Last evaluated: 2023-05-26. Review status: criteria provided, single submitter. Criteria: Ambry Variant Classification Scheme 2023. Collection method: clinical testing. Allele origin: germline.
Comment: The p.H430P variant (also known as c.1289A>C), located in coding exon 3 of the RBM20 gene, results from an A to C substitution at nucleotide position 1289. The histidine at codon 430 is replaced by proline, an amino acid with similar properties. This amino acid position is conserved. In addition, this alteration is predicted to be deleterious by in silico analysis. Since supporting evidence is limited at this time, the clinical significance of this alteration remains unclear.